The following is an entry in ClinVar:

NM_015338.6(ASXL1):c.542G>T (p.Gly181Val)

Gene: ASXL1 (ASXL transcriptional regulator 1; plus strand). Cytogenetic location: 20q11.21.
Variant type: single nucleotide variant.
Coding change: c.542G>T on transcript NM_015338.6 (MANE Select); coding-DNA position 542, G replaced by T.
Protein change: p.Gly181Val; replaces glycine 181 with valine.
Molecular consequence: missense variant.
Genome position (GRCh38, 1-based): chr20:32,429,408, G>T. VCF-style: chr20-32429408-G-T. GRCh37 (hg19) VCF-style: chr20-31017211-G-T.
Other names: c.512G>T, p.Gly171Val (NM_001363734.1); short protein forms G181V, G171V.
Identifiers: ClinVar variation 4588687 (VCV004588687.1).

ClinVar aggregate classification (germline): Uncertain significance (1 of 4 stars; one submission).

Conditions:
Inborn genetic diseases. Identifiers: MedGen C0950123, MeSH D030342.

Submission:

Ambry Genetics
Classification: Uncertain significance for Inborn genetic diseases. Last evaluated: 2025-11-23. Review status: criteria provided, single submitter. Criteria: Ambry Variant Classification Scheme 2023. Collection method: clinical testing. Allele origin: germline.
Comment: The p.G181V variant (also known as c.542G>T), located in coding exon 7 of the ASXL1 gene, results from a G to T substitution at nucleotide position 542. The glycine at codon 181 is replaced by valine, an amino acid with dissimilar properties. This amino acid position is conserved. In addition, this alteration is predicted to be tolerated by in silico analysis. Based on the available evidence, the clinical significance of this variant remains unclear.